The following is an entry in ClinVar:

ClinVar aggregate classification (germline): Uncertain significance (1 of 4 stars; one submission).

gnomAD v4.1: 4 of 1,613,556 alleles (0.00025%); highest among the groups gnomAD compares: Non-Finnish European, 0.00025%; no homozygotes.

Submission:

Labcorp Genetics (formerly Invitae), Labcorp
Classification: Uncertain significance. Last evaluated: 2024-10-22. Review status: criteria provided, single submitter. Criteria: Invitae Variant Classification Sherloc (09022015). Collection method: clinical testing. Allele origin: germline.
Comment: This sequence change replaces valine, which is neutral and non-polar, with methionine, which is neutral and non-polar, at codon 755 of the TCIRG1 protein (p.Val755Met). This variant is not present in population databases (gnomAD no frequency). This variant has not been reported in the literature in individuals affected with TCIRG1-related conditions. Invitae Evidence Modeling of protein sequence and biophysical properties (such as structural, functional, and spatial information, amino acid conservation, physicochemical variation, residue mobility, and thermodynamic stability) indicates that this missense variant is not expected to disrupt TCIRG1 protein function with a negative predictive value of 80%. In summary, the available evidence is currently insufficient to determine the role of this variant in disease. Therefore, it has been classified as a Variant of Uncertain Significance.

NM_006019.4(TCIRG1):c.2263G>A (p.Val755Met)

Gene: TCIRG1 (T cell immune regulator 1, ATPase H+ transporting V0 subunit a3; plus strand). Cytogenetic location: 11q13.2.
Variant type: single nucleotide variant.
Coding change: c.2263G>A on transcript NM_006019.4 (MANE Select); coding-DNA position 2263, G replaced by A.
Protein change: p.Val755Met; replaces valine 755 with methionine.
Molecular consequence: missense variant.
Genome position (GRCh38, 1-based): chr11:68,050,513, G>A. VCF-style: chr11-68050513-G-A. GRCh37 (hg19) VCF-style: chr11-67817980-G-A.
Other names: c.1369G>A, p.Val457Met (NM_001351059.2); c.1615G>A, p.Val539Met (NM_006053.4); short protein forms V457M, V539M, V755M.
Identifiers: ClinVar variation 3617428 (VCV003617428.2).